The following is an entry in ClinVar:

ClinVar aggregate classification (germline): Uncertain significance. Review status: criteria provided, multiple submitters, no conflicts (2 of 4 stars). 3 submissions from 3 submitters: Uncertain significance (3). Last evaluated 2025-01-30.

Conditions:
Charcot-Marie-Tooth disease type 2. Also called: Charcot-Marie-Tooth type 2. Identifiers: Orphanet 64746, MedGen C0270914, MONDO:0018993.

Allele frequency attached by ClinVar (database versions not stated): gnomAD 0.00001; gnomAD exomes below 0.00001 and 0.00001; TOPMed 0.00001.
gnomAD v4.1: 12 of 1,614,072 alleles (0.00074%); highest among the groups gnomAD compares: South Asian, 0.0011%; no homozygotes.

Submissions (3):

GeneDx
Classification: Uncertain significance. Last evaluated: 2025-01-30. Review status: criteria provided, single submitter. Criteria: GeneDx Variant Classification Process June 2021. Collection method: clinical testing. Allele origin: germline. Affected: yes.
Comment: Not observed at significant frequency in large population cohorts (gnomAD); In silico analysis supports that this missense variant has a deleterious effect on protein structure/function; Has been reported in the published literature in a large cohort of individuals with clinical features of CMT tested at a commercial laboratory; however clinical details or segregation information was not specified in this report (PMID: 25614874); This variant is associated with the following publications: (PMID: 25614874)

Labcorp Genetics (formerly Invitae), Labcorp
Classification: Uncertain significance for Charcot-Marie-Tooth disease type 2. Last evaluated: 2024-07-24. Review status: criteria provided, single submitter. Criteria: Invitae Variant Classification Sherloc (09022015). Collection method: clinical testing. Allele origin: germline.
Comment: This sequence change replaces leucine, which is neutral and non-polar, with arginine, which is basic and polar, at codon 401 of the MFN2 protein (p.Leu401Arg). This variant is present in population databases (no rsID available, gnomAD 0.0009%). This variant has not been reported in the literature in individuals affected with MFN2-related conditions. ClinVar contains an entry for this variant (Variation ID: 447717). Advanced modeling of protein sequence and biophysical properties (such as structural, functional, and spatial information, amino acid conservation, physicochemical variation, residue mobility, and thermodynamic stability) performed at Invitae indicates that this missense variant is expected to disrupt MFN2 protein function with a positive predictive value of 95%. In summary, the available evidence is currently insufficient to determine the role of this variant in disease. Therefore, it has been classified as a Variant of Uncertain Significance.

Athena Diagnostics
Classification: Uncertain significance. Last evaluated: 2017-06-30. Review status: criteria provided, single submitter. Criteria: Athena Diagnostics Criteria. Collection method: clinical testing. Allele origin: germline.

NM_014874.4(MFN2):c.1202T>G (p.Leu401Arg)

Gene: MFN2 (mitofusin 2; plus strand). Cytogenetic location: 1p36.22.
Variant type: single nucleotide variant.
Coding change: c.1202T>G on transcript NM_014874.4 (MANE Select); coding-DNA position 1202, T replaced by G.
Protein change: p.Leu401Arg; replaces leucine 401 with arginine.
Molecular consequence: missense variant.
Genome position (GRCh38, 1-based): chr1:12,004,033, T>G. VCF-style: chr1-12004033-T-G. GRCh37 (hg19) VCF-style: chr1-12064090-T-G.
Other names: c.1202T>G, p.Leu401Arg (NM_001127660.2); short protein forms L401R.
Identifiers: ClinVar variation 447717 (VCV000447717.7), dbSNP rs1161492440, ClinGen allele CA338444958.